The following is an entry in ClinVar:

NM_003361.4(UMOD):c.656C>T (p.Pro219Leu)

Gene: UMOD (uromodulin; minus strand). Cytogenetic location: 16p12.3.
Variant type: single nucleotide variant.
Coding change: c.656C>T on transcript NM_003361.4 (MANE Select); coding-DNA position 656, C replaced by T.
Protein change: p.Pro219Leu; replaces proline 219 with leucine.
Molecular consequence: missense variant. On other transcripts: non-coding transcript variant (1).
Genome position (GRCh38, 1-based): chr16:20,348,645, G>A on the plus strand (C>T on the coding strand, the complement: UMOD is on the minus strand). VCF-style: chr16-20348645-G-A. GRCh37 (hg19) VCF-style: chr16-20359967-G-A.
Other names: c.656C>T, p.Pro219Leu (NM_001008389.3, NM_001378232.1, NM_001378233.1 and 3 more transcripts); c.755C>T, p.Pro252Leu (NM_001278614.2); short protein forms P252L, P219L.
Identifiers: ClinVar variation 4740392 (VCV004740392.1).

ClinVar aggregate classification (germline): Uncertain significance (1 of 4 stars; one submission).

Submission:

Labcorp Genetics (formerly Invitae), Labcorp
Classification: Uncertain significance. Last evaluated: 2025-06-03. Review status: criteria provided, single submitter. Criteria: Invitae Variant Classification Sherloc (09022015). Collection method: clinical testing. Allele origin: germline.
Comment: This sequence change replaces proline, which is neutral and non-polar, with leucine, which is neutral and non-polar, at codon 219 of the UMOD protein (p.Pro219Leu). The frequency data for this variant in the population databases is considered unreliable, as metrics indicate poor data quality at this position in the gnomAD database. This missense change has been observed in individual(s) with autosomal dominant tubulo-interstitial kidney disease (PMID: 32954071). Invitae Evidence Modeling of protein sequence and biophysical properties (such as structural, functional, and spatial information, amino acid conservation, physicochemical variation, residue mobility, and thermodynamic stability) indicates that this missense variant is not expected to disrupt UMOD protein function with a negative predictive value of 80%. In summary, the available evidence is currently insufficient to determine the role of this variant in disease. Therefore, it has been classified as a Variant of Uncertain Significance.

Literature cited by the submitters: PubMed 32954071.